The following is an entry in ClinVar:

ClinVar aggregate classification (germline): Uncertain significance. Review status: criteria provided, multiple submitters, no conflicts (2 of 4 stars). 2 submissions from 2 submitters: Uncertain significance (2). Last evaluated 2025-06-03.

Conditions:
Inborn genetic diseases. Identifiers: MedGen C0950123, MeSH D030342.

Allele frequency attached by ClinVar (database versions not stated): ExAC 0.00002; TOPMed 0.00005; gnomAD exomes 0.00002; gnomAD 0.00003; ESP Exome Variant Server 0.00008.

Submissions (2):

Ambry Genetics
Classification: Uncertain significance for Inborn genetic diseases. Last evaluated: 2025-06-03. Review status: criteria provided, single submitter. Criteria: Ambry Variant Classification Scheme 2023. Collection method: clinical testing. Allele origin: germline.

Labcorp Genetics (formerly Invitae), Labcorp
Classification: Uncertain significance. Last evaluated: 2023-10-19. Review status: criteria provided, single submitter. Criteria: Invitae Variant Classification Sherloc (09022015). Collection method: clinical testing. Allele origin: germline.
Comment: This sequence change replaces valine, which is neutral and non-polar, with isoleucine, which is neutral and non-polar, at codon 168 of the LTBP2 protein (p.Val168Ile). This variant is present in population databases (rs368649210, gnomAD 0.006%). This variant has not been reported in the literature in individuals affected with LTBP2-related conditions. ClinVar contains an entry for this variant (Variation ID: 1989333). An algorithm developed to predict the effect of missense changes on protein structure and function (PolyPhen-2) suggests that this variant is likely to be disruptive. In summary, the available evidence is currently insufficient to determine the role of this variant in disease. Therefore, it has been classified as a Variant of Uncertain Significance.

NM_000428.3(LTBP2):c.502G>A (p.Val168Ile)

Gene: LTBP2 (latent transforming growth factor beta binding protein 2; minus strand). Cytogenetic location: 14q24.3.
Variant type: single nucleotide variant.
Coding change: c.502G>A on transcript NM_000428.3 (MANE Select); coding-DNA position 502, G replaced by A.
Protein change: p.Val168Ile; replaces valine 168 with isoleucine.
Molecular consequence: missense variant.
Genome position (GRCh38, 1-based): chr14:74,603,698, C>T on the plus strand (G>A on the coding strand, the complement: LTBP2 is on the minus strand). VCF-style: chr14-74603698-C-T. GRCh37 (hg19) VCF-style: chr14-75070401-C-T.
Other names: c.502G>A (NM_000428.2); short protein forms V168I.
Identifiers: ClinVar variation 1989333 (VCV001989333.3), dbSNP rs368649210, ClinGen allele CA7270168.